The following is an entry in ClinVar:

NM_001242896.3(DEPDC5):c.664T>C (p.Ser222Pro)

Gene: DEPDC5 (DEP domain containing 5, GATOR1 subcomplex subunit; plus strand). Cytogenetic location: 22q12.2.
Variant type: single nucleotide variant.
Coding change: c.664T>C on transcript NM_001242896.3 (MANE Select); coding-DNA position 664, T replaced by C.
Protein change: p.Ser222Pro; replaces serine 222 with proline.
Molecular consequence: missense variant. On other transcripts: non-coding transcript variant (5).
Genome position (GRCh38, 1-based): chr22:31,792,072, T>C. VCF-style: chr22-31792072-T-C. GRCh37 (hg19) VCF-style: chr22-32188058-T-C.
Other names: c.664T>C, p.Ser222Pro (NM_001007188.4, NM_001136029.4, NM_001242897.2 and 7 more transcripts); c.580T>C, p.Ser194Pro (NM_001369901.1, NM_001369902.1); short protein forms S194P, S222P.
Identifiers: ClinVar variation 1378015 (VCV001378015.8), dbSNP rs2148505001, ClinGen allele CA411288280.
Genomic context (GRCh38, chr22:31,792,072, plus strand): 5'-TTGTTCTCTACTCATGCTTAGGAGAAGAACTGTAGTCATGAAGTGACAGTGGTCCTGTTT[T>C]CTAGAACTTTCTATGATGCAAAATCTGTTGGTGAGTAACTATTTCTCTCCTACAGTTATG-3'
Protein context (NP_001229825.1, residues 212-232): CSHEVTVVLF[Ser222Pro]RTFYDAKSVD

ClinVar aggregate classification (germline): Uncertain significance (1 of 4 stars; one submission).

Conditions:
Familial focal epilepsy with variable foci (FPEVF). Identifiers: Orphanet 98820, MedGen C1858477, MONDO:0020310.

Submission:

Labcorp Genetics (formerly Invitae), Labcorp
Classification: Uncertain significance for Familial focal epilepsy with variable foci. Last evaluated: 2023-11-28. Review status: criteria provided, single submitter. Criteria: Invitae Variant Classification Sherloc (09022015). Collection method: clinical testing. Allele origin: germline.
Comment: This sequence change replaces serine, which is neutral and polar, with proline, which is neutral and non-polar, at codon 222 of the DEPDC5 protein (p.Ser222Pro). This variant is not present in population databases (gnomAD no frequency). This missense change has been observed in individual(s) with epilepsy (Invitae). It has also been observed to segregate with disease in related individuals. ClinVar contains an entry for this variant (Variation ID: 1378015). Experimental studies and prediction algorithms are not available or were not evaluated, and the functional significance of this variant is currently unknown. In summary, the available evidence is currently insufficient to determine the role of this variant in disease. Therefore, it has been classified as a Variant of Uncertain Significance.